The following is an entry in ClinVar:

ClinVar aggregate classification (germline): Likely pathogenic (1 of 4 stars; one submission).

Submission:

Quest Diagnostics Nichols Institute San Juan Capistrano
Classification: Likely pathogenic. Last evaluated: 2025-06-05. Review status: criteria provided, single submitter. Criteria: Quest Diagnostics criteria. Collection method: clinical testing. Allele origin: unknown.
Comment: The PALB2 c.1684+1G>C variant disrupts a canonical splice-donor site and is predicted to interfere with normal PALB2 mRNA splicing. To the best of our knowledge, this variant has not been reported in the published literature. This variant has not been reported in large, multi-ethnic general populations (Genome Aggregation Database). Based on the available information, we are unable to determine the clinical significance of this variant.

NM_024675.4(PALB2):c.1684+1G>C

Gene: PALB2 (partner and localizer of BRCA2; minus strand). Cytogenetic location: 16p12.2.
Variant type: single nucleotide variant.
Coding change: c.1684+1G>C on transcript NM_024675.4 (MANE Select); the canonical splice donor site of the intron after coding-DNA position 1684, G replaced by C.
Molecular consequence: splice donor variant. On other transcripts: intron variant (3).
Genome position (GRCh38, 1-based): chr16:23,634,861, C>G on the plus strand (G>C on the coding strand, the complement: PALB2 is on the minus strand). VCF-style: chr16-23634861-C-G. GRCh37 (hg19) VCF-style: chr16-23646182-C-G.
Other names: c.799+1G>C (NM_001407308.1, NM_001407306.1, NM_001407307.1 and 5 more transcripts); c.49-5586G>C (NM_001407314.1); c.-104-4392G>C (NM_001407313.1, NM_001407312.1); c.1624+1G>C (NM_001407296.1); c.1684+1G>C (NM_001407297.1, NM_001407302.1, NM_001407298.1 and 3 more transcripts).
Identifiers: ClinVar variation 4533155 (VCV004533155.1).
Genomic context (GRCh38, chr16:23,634,861, plus strand): 5'-CAAATAGTAATTGTTAACTTTCATCATCATCATCATCATCATCAAACACATCTTGATTTA[C>G]CTTTCACTTGAATAAATAATTTTTCGTGCTGATATTTGTGTGAGGTGACTTCTTCCTTGG-3'